The following is an entry in ClinVar:

ClinVar aggregate classification (germline): Benign/Likely benign. Review status: criteria provided, multiple submitters, no conflicts (2 of 4 stars). 4 submissions from 4 submitters: Benign (1); Likely benign (2). 1 of the submissions does not count toward it. Last evaluated 2025-12-26.

Conditions:
MBD5-related disorder. Also called: MBD5-related condition.
Inborn genetic diseases. Identifiers: MedGen C0950123, MeSH D030342.
Intellectual developmental disorder, autosomal dominant 1. Also called: Intellectual disability, autosomal dominant 1; MBD5 Haploinsufficiency. Identifiers: Orphanet 228402, MedGen C1969562, MONDO:0007974, OMIM 156200.

Allele frequency attached by ClinVar (database versions not stated): TOPMed 0.00002; ExAC 0.00007; gnomAD exomes 0.00008.
gnomAD v4.1: 23 of 1,614,136 alleles (0.0014%); highest among the groups gnomAD compares: Admixed American, 0.035%; no homozygotes.

Submissions (4):

Labcorp Genetics (formerly Invitae), Labcorp
Classification: Benign for Intellectual developmental disorder, autosomal dominant 1. Last evaluated: 2025-12-26. Review status: criteria provided, single submitter. Criteria: Invitae Variant Classification Sherloc (09022015). Collection method: clinical testing. Allele origin: germline.

GeneDx
Classification: Likely benign. Last evaluated: 2020-06-03. Review status: criteria provided, single submitter. Criteria: GeneDx Variant Classification Process June 2021. Collection method: clinical testing. Allele origin: germline. Affected: yes.

Ambry Genetics
Classification: Likely benign for Inborn genetic diseases. Last evaluated: 2018-09-22. Review status: criteria provided, single submitter. Criteria: Ambry Variant Classification Scheme 2023. Collection method: clinical testing. Allele origin: germline.

PreventionGenetics, part of Exact Sciences
Classification: Likely benign for MBD5-related condition. Last evaluated: 2022-05-25. Review status: no assertion criteria provided. Collection method: clinical testing. Allele origin: germline. Not counted in ClinVar's aggregate classification.
Comment: This variant is classified as likely benign based on ACMG/AMP sequence variant interpretation guidelines (Richards et al. 2015 PMID: 25741868, with internal and published modifications).

NM_001378120.1(MBD5):c.3677A>C (p.Gln1226Pro)

Gene: MBD5 (methyl-CpG binding domain protein 5; plus strand). Cytogenetic location: 2q23.1.
Variant type: single nucleotide variant.
Coding change: c.3677A>C on transcript NM_001378120.1 (MANE Select); coding-DNA position 3677, A replaced by C.
Protein change: p.Gln1226Pro; replaces glutamine 1226 with proline.
Molecular consequence: missense variant.
Genome position (GRCh38, 1-based): chr2:148,485,874, A>C. VCF-style: chr2-148485874-A-C. GRCh37 (hg19) VCF-style: chr2-149243443-A-C.
Other names: c.2978A>C, p.Gln993Pro (NM_018328.5); short protein forms Q993P, Q1226P.
Identifiers: ClinVar variation 241285 (VCV000241285.20), dbSNP rs761395486, ClinGen allele CA1900303.